The following is an entry in ClinVar:

ClinVar aggregate classification (germline): Uncertain significance. Review status: criteria provided, single submitter (1 of 4 stars). 2 submissions from 2 submitters: Uncertain significance (1). 1 of the submissions does not count toward it. Last evaluated 2021-07-03.

Conditions:
Usher syndrome type 1 (USH1). Also called: RETINITIS PIGMENTOSA AND CONGENITAL DEAFNESS. Identifiers: Orphanet 231169, Orphanet 886, MedGen C1568247, MONDO:0010168, OMIM 276900.

Allele frequency attached by ClinVar (database versions not stated): gnomAD exomes below 0.00001.
gnomAD v4.1: 2 of 1,612,672 alleles (0.00012%); highest among the groups gnomAD compares: Admixed American, 0.0033%; no homozygotes.

Submissions (2):

Labcorp Genetics (formerly Invitae), Labcorp
Classification: Uncertain significance. Last evaluated: 2021-07-03. Review status: criteria provided, single submitter. Criteria: Invitae Variant Classification Sherloc (09022015). Collection method: clinical testing. Allele origin: germline.
Comment: This variant has not been reported in the literature in individuals affected with CDH23-related conditions. In summary, the available evidence is currently insufficient to determine the role of this variant in disease. Therefore, it has been classified as a Variant of Uncertain Significance. Nucleotide substitutions within the consensus splice site are a relatively common cause of aberrant splicing (PMID: 17576681, 9536098). Algorithms developed to predict the effect of sequence changes on RNA splicing suggest that this variant may disrupt the consensus splice site. This variant is not present in population databases (ExAC no frequency). This sequence change falls in intron 23 of the CDH23 gene. It does not directly change the encoded amino acid sequence of the CDH23 protein. It affects a nucleotide within the consensus splice site of the intron.

Natera, Inc.
Classification: Uncertain significance for Usher syndrome type 1. Last evaluated: 2025-01-29. Review status: no assertion criteria provided. Collection method: clinical testing. Allele origin: germline. Not counted in ClinVar's aggregate classification.

Literature cited by the submitters: PubMed 17576681 (cited by Labcorp Genetics (formerly Invitae), Labcorp); PubMed 9536098 (cited by Labcorp Genetics (formerly Invitae), Labcorp).

NM_022124.6(CDH23):c.2587+3A>G

Gene: CDH23 (cadherin related 23; plus strand). Cytogenetic location: 10q22.1.
Variant type: single nucleotide variant.
Coding change: c.2587+3A>G on transcript NM_022124.6 (MANE Select); 3 bases into the intron after coding-DNA position 2587, A replaced by G.
Molecular consequence: intron variant.
Genome position (GRCh38, 1-based): chr10:71,702,214, A>G. VCF-style: chr10-71702214-A-G. GRCh37 (hg19) VCF-style: chr10-73461971-A-G.
Other names: c.2587+3A>G (NM_022124.5, NM_001171930.2, NM_001171931.2).
Identifiers: ClinVar variation 1503328 (VCV001503328.7), dbSNP rs1481098996, ClinGen allele CA594705723.